The following is an entry in ClinVar:

ClinVar aggregate classification (germline): Pathogenic. Review status: criteria provided, multiple submitters, no conflicts (2 of 4 stars). 2 submissions from 2 submitters: Pathogenic (2). Last evaluated 2025-06-10.

Conditions:
Jeune thoracic dystrophy. Also called: Short-rib thoracic dysplasia; Jeune syndrome; Infantile thoracic dystrophy; Thoracic pelvic phalangeal dystrophy; Jeune's syndrome; Chondroectodermal dysplasia-like syndrome. Identifiers: Orphanet 474, MedGen C0265275, MONDO:0018770.
Asphyxiating thoracic dystrophy 3. Also called: POLYDACTYLY WITH NEONATAL CHONDRODYSTROPHY, TYPE I; SHORT-RIB THORACIC DYSPLASIA 3/6 WITH POLYDACTYLY, DIGENIC; Short rib polydactyly syndrome 2B; SHORT-RIB THORACIC DYSPLASIA 3 WITH OR WITHOUT POLYDACTYLY; Saldino-Noonan Syndrome. Identifiers: Orphanet 474, Orphanet 93269, Orphanet 93270, Orphanet 93271, MedGen C0036069, MONDO:0013127, OMIM 613091.

Submissions (2):

Myriad Genetics, Inc.
Classification: Pathogenic for Asphyxiating thoracic dystrophy 3. Last evaluated: 2025-06-10. Review status: criteria provided, single submitter. Criteria: Myriad Autosomal Dominant, Autosomal Recessive and X-Linked Classification Criteria (2023). Collection method: clinical testing. Allele origin: unknown.
Comment: NM_001377.2(DYNC2H1):c.1231C>T(Q411*) is expected to be pathogenic in the context of DYNC2H1-related disorders. This variant is predicted to lead to an abnormal or absent protein product due to the creation of a premature termination codon in DYNC2H1, a gene where loss-of-function variants are known to be pathogenic. Please note: this variant was assessed in the context of healthy population screening.

Labcorp Genetics (formerly Invitae), Labcorp
Classification: Pathogenic for Jeune thoracic dystrophy. Last evaluated: 2023-02-03. Review status: criteria provided, single submitter. Criteria: Invitae Variant Classification Sherloc (09022015). Collection method: clinical testing. Allele origin: germline.
Comment: For these reasons, this variant has been classified as Pathogenic. This variant has not been reported in the literature in individuals affected with DYNC2H1-related conditions. This variant is not present in population databases (gnomAD no frequency). This sequence change creates a premature translational stop signal (p.Gln411*) in the DYNC2H1 gene. It is expected to result in an absent or disrupted protein product. Loss-of-function variants in DYNC2H1 are known to be pathogenic (PMID: 23339108, 32753734).

Literature cited by the submitters: PubMed 23339108 (cited by Labcorp Genetics (formerly Invitae), Labcorp); PubMed 32753734 (cited by Labcorp Genetics (formerly Invitae), Labcorp).

NM_001377.3(DYNC2H1):c.1231C>T (p.Gln411Ter)

Gene: DYNC2H1 (dynein cytoplasmic 2 heavy chain 1; plus strand). Cytogenetic location: 11q22.3.
Variant type: single nucleotide variant.
Coding change: c.1231C>T on transcript NM_001377.3 (MANE Select); coding-DNA position 1231, C replaced by T.
Protein change: p.Gln411Ter; replaces glutamine 411 with a stop codon.
Molecular consequence: nonsense.
Genome position (GRCh38, 1-based): chr11:103,120,785, C>T. VCF-style: chr11-103120785-C-T. GRCh37 (hg19) VCF-style: chr11-102991514-C-T.
Other names: c.1231C>T, p.Gln411Ter (NM_001080463.2); short protein forms Q411*.
Identifiers: ClinVar variation 2983410 (VCV002983410.4), dbSNP rs747358182, ClinGen allele CA382251117.